The following is an entry in ClinVar:

NM_005297.4(MCHR1):c.864C>T (p.Thr288=)

Gene: MCHR1 (melanin concentrating hormone receptor 1; plus strand). Cytogenetic location: 22q13.2.
Variant type: single nucleotide variant.
Coding change: c.864C>T on transcript NM_005297.4 (MANE Select); coding-DNA position 864, C replaced by T.
Protein change: p.Thr288=; no amino-acid change (threonine 288 retained).
Molecular consequence: synonymous variant.
Genome position (GRCh38, 1-based): chr22:40,681,730, C>T. VCF-style: chr22-40681730-C-T. GRCh37 (hg19) VCF-style: chr22-41077734-C-T.
Identifiers: ClinVar variation 3044449 (VCV003044449.2), dbSNP rs36115367, ClinGen allele CA10250355.

ClinVar aggregate classification (germline): Likely benign (0 of 4 stars; one submission).

Conditions:
MCHR1-related disorder. Also called: MCHR1-related condition.

Allele frequency attached by ClinVar (database versions not stated): gnomAD exomes 0.00011; ExAC 0.00039; 1000 Genomes Project 30x 0.00109; 1000 Genomes Project 0.00120; gnomAD 0.00123; ESP Exome Variant Server 0.00138; TOPMed 0.00138.
gnomAD v4.1: 355 of 1,614,260 alleles (0.022%); highest among the groups gnomAD compares: African/African-American, 0.43%; no homozygotes.

Submission:

PreventionGenetics, part of Exact Sciences
Classification: Likely benign for MCHR1-related condition. Last evaluated: 2024-01-31. Review status: no assertion criteria provided. Collection method: clinical testing. Allele origin: germline.
Comment: This variant is classified as likely benign based on ACMG/AMP sequence variant interpretation guidelines (Richards et al. 2015 PMID: 25741868, with internal and published modifications).